The following is an entry in ClinVar:

ClinVar aggregate classification (germline): Uncertain significance. Review status: criteria provided, multiple submitters, no conflicts (2 of 4 stars). 4 submissions from 4 submitters: Uncertain significance (4). Last evaluated 2026-03-14.

Conditions:
Occipital pachygyria and polymicrogyria. Identifiers: Orphanet 280640, MedGen C3279875, MONDO:0013583, OMIM 614115.
Inborn genetic diseases. Identifiers: MedGen C0950123, MeSH D030342.

Allele frequency attached by ClinVar (database versions not stated): gnomAD 0.00005; TOPMed 0.00006; ESP Exome Variant Server 0.00008.
gnomAD v4.1: 61 of 1,608,148 alleles (0.0038%); highest among the groups gnomAD compares: Middle Eastern, 0.016%; no homozygotes.

Submissions (4):

GeneDx
Classification: Uncertain significance. Last evaluated: 2026-03-14. Review status: criteria provided, single submitter. Criteria: GeneDx Variant Classification Process June 2021. Collection method: clinical testing. Allele origin: germline.
Comment: Not observed at significant frequency in large population cohorts (gnomAD); In silico analysis supports that this missense variant has a deleterious effect on protein structure/function; Has not been previously published as pathogenic or benign to our knowledge

Ambry Genetics
Classification: Uncertain significance for Inborn genetic diseases. Last evaluated: 2025-02-20. Review status: criteria provided, single submitter. Criteria: Ambry Variant Classification Scheme 2023. Collection method: clinical testing. Allele origin: germline.

Labcorp Genetics (formerly Invitae), Labcorp
Classification: Uncertain significance. Last evaluated: 2022-08-31. Review status: criteria provided, single submitter. Criteria: Invitae Variant Classification Sherloc (09022015). Collection method: clinical testing. Allele origin: germline.
Comment: This sequence change replaces arginine, which is basic and polar, with histidine, which is basic and polar, at codon 414 of the LAMC3 protein (p.Arg414His). The frequency data for this variant in the population databases is considered unreliable, as metrics indicate poor data quality at this position in the gnomAD database. This variant has not been reported in the literature in individuals affected with LAMC3-related conditions. ClinVar contains an entry for this variant (Variation ID: 1425035). Algorithms developed to predict the effect of missense changes on protein structure and function output the following: SIFT: "Deleterious"; PolyPhen-2: "Benign"; Align-GVGD: "Class C0". The histidine amino acid residue is found in multiple mammalian species, which suggests that this missense change does not adversely affect protein function. In summary, the available evidence is currently insufficient to determine the role of this variant in disease. Therefore, it has been classified as a Variant of Uncertain Significance.

Fulgent Genetics
Classification: Uncertain significance for Occipital pachygyria and polymicrogyria. Last evaluated: 2022-05-20. Review status: criteria provided, single submitter. Criteria: ACMG Guidelines, 2015. Collection method: clinical testing. Allele origin: unknown.

NM_006059.4(LAMC3):c.1241G>A (p.Arg414His)

Gene: LAMC3 (laminin subunit gamma 3; plus strand). Cytogenetic location: 9q34.12.
Variant type: single nucleotide variant.
Coding change: c.1241G>A on transcript NM_006059.4 (MANE Select); coding-DNA position 1241, G replaced by A.
Protein change: p.Arg414His; replaces arginine 414 with histidine.
Molecular consequence: missense variant.
Genome position (GRCh38, 1-based): chr9:131,039,206, G>A. VCF-style: chr9-131039206-G-A. GRCh37 (hg19) VCF-style: chr9-133914593-G-A.
Other names: c.1241G>A (NM_006059.3); short protein forms R414H.
Identifiers: ClinVar variation 1425035 (VCV001425035.7), dbSNP rs372564761, ClinGen allele CA5286997.
Genomic context (GRCh38, chr9:131,039,206, plus strand): 5'-AGTGCGATGACACAGGCACCTGCGCCTGCAAGCCCACGGTGACTGGCTGGAAGTGTGACC[G>A]CTGTCTGCCCGGGTTCCACTCGCTCAGTGAGGGAGGCTGCAGGTGAGGGCGAGGGGCGGC-3'
Protein context (NP_006050.3, residues 404-424): KPTVTGWKCD[Arg414His]CLPGFHSLSE